The following is an entry in ClinVar:

NM_015271.5(TRIM2):c.1445C>G (p.Ala482Gly)

Gene: TRIM2 (tripartite motif containing 2; plus strand). Cytogenetic location: 4q31.3.
Variant type: single nucleotide variant.
Coding change: c.1445C>G on transcript NM_015271.5 (MANE Select); coding-DNA position 1445, C replaced by G.
Protein change: p.Ala482Gly; replaces alanine 482 with glycine.
Molecular consequence: missense variant.
Genome position (GRCh38, 1-based): chr4:153,295,971, C>G. VCF-style: chr4-153295971-C-G. GRCh37 (hg19) VCF-style: chr4-154217123-C-G.
Other names: c.1364C>G, p.Ala455Gly (NM_001130067.2, NM_001351056.2, NM_001375512.1 and 5 more transcripts); c.1418C>G, p.Ala473Gly (NM_001351054.2); c.1415C>G, p.Ala472Gly (NM_001351055.2); c.989C>G, p.Ala330Gly (NM_001351057.2); c.1538C>G, p.Ala513Gly (NM_001375488.1); c.1535C>G, p.Ala512Gly (NM_001375489.1); c.1388C>G, p.Ala463Gly (NM_001375490.1); c.1385C>G, p.Ala462Gly (NM_001375491.1); and 3 more; short protein forms A369G, A472G, A482G, A330G, A370G, A462G, A512G, A513G.
Identifiers: ClinVar variation 965909 (VCV000965909.9), dbSNP rs1762681975, ClinGen allele CA358473729.

ClinVar aggregate classification (germline): Uncertain significance (1 of 4 stars; one submission).

Conditions:
Charcot-Marie-Tooth disease type 2R. Also called: Charcot-Marie-Tooth disease, axonal, type 2R; CHARCOT-MARIE-TOOTH NEUROPATHY, TYPE 2R; CHARCOT-MARIE-TOOTH DISEASE, AXONAL, AUTOSOMAL RECESSIVE, TYPE 2R. Identifiers: Orphanet 397968, MedGen C3809655, MONDO:0014208, OMIM 615490.

Submission:

Labcorp Genetics (formerly Invitae), Labcorp
Classification: Uncertain significance for Charcot-Marie-Tooth disease type 2R. Last evaluated: 2019-11-11. Review status: criteria provided, single submitter. Criteria: Invitae Variant Classification Sherloc (09022015). Collection method: clinical testing. Allele origin: germline.
Comment: In summary, the available evidence is currently insufficient to determine the role of this variant in disease. Therefore, it has been classified as a Variant of Uncertain Significance. Algorithms developed to predict the effect of missense changes on protein structure and function are either unavailable or do not agree on the potential impact of this missense change (SIFT: "Deleterious"; PolyPhen-2: "Benign"; Align-GVGD: "Class C0"). This variant has not been reported in the literature in individuals with TRIM2-related conditions. This variant is not present in population databases (ExAC no frequency). This sequence change replaces alanine with glycine at codon 455 of the TRIM2 protein (p.Ala455Gly). The alanine residue is highly conserved and there is a small physicochemical difference between alanine and glycine.